The following is an entry in ClinVar:

ClinVar aggregate classification (germline): Uncertain significance (1 of 4 stars; one submission).

Submission:

Labcorp Genetics (formerly Invitae), Labcorp
Classification: Uncertain significance. Last evaluated: 2022-03-04. Review status: criteria provided, single submitter. Criteria: Invitae Variant Classification Sherloc (09022015). Collection method: clinical testing. Allele origin: germline.
Comment: In summary, the available evidence is currently insufficient to determine the role of this variant in disease. Therefore, it has been classified as a Variant of Uncertain Significance. Algorithms developed to predict the effect of missense changes on protein structure and function (SIFT, PolyPhen-2, Align-GVGD) all suggest that this variant is likely to be tolerated. This variant has not been reported in the literature in individuals affected with RNF168-related conditions. This variant is not present in population databases (gnomAD no frequency). This sequence change replaces serine, which is neutral and polar, with alanine, which is neutral and non-polar, at codon 237 of the RNF168 protein (p.Ser237Ala).

NM_152617.4(RNF168):c.709T>G (p.Ser237Ala)

Gene: RNF168 (ring finger protein 168; minus strand). Cytogenetic location: 3q29.
Variant type: single nucleotide variant.
Coding change: c.709T>G on transcript NM_152617.4 (MANE Select); coding-DNA position 709, T replaced by G.
Protein change: p.Ser237Ala; replaces serine 237 with alanine.
Molecular consequence: missense variant.
Genome position (GRCh38, 1-based): chr3:196,475,284, A>C on the plus strand (T>G on the coding strand, the complement: RNF168 is on the minus strand). VCF-style: chr3-196475284-A-C. GRCh37 (hg19) VCF-style: chr3-196202155-A-C.
Other names: short protein forms S237A.
Identifiers: ClinVar variation 1971436 (VCV001971436.5), dbSNP rs2474277615, ClinGen allele CA355620962.